The following is an entry in ClinVar:

ClinVar aggregate classification (germline): Uncertain significance (1 of 4 stars; one submission).

Allele frequency attached by ClinVar (database versions not stated): gnomAD exomes below 0.00001; ExAC 0.00001.

Submission:

Labcorp Genetics (formerly Invitae), Labcorp
Classification: Uncertain significance. Last evaluated: 2023-07-10. Review status: criteria provided, single submitter. Criteria: Invitae Variant Classification Sherloc (09022015). Collection method: clinical testing. Allele origin: germline.
Comment: This sequence change replaces valine, which is neutral and non-polar, with alanine, which is neutral and non-polar, at codon 1383 of the RAI1 protein (p.Val1383Ala). This variant is present in population databases (rs760846130, gnomAD 0.0009%). This variant has not been reported in the literature in individuals affected with RAI1-related conditions. Advanced modeling of protein sequence and biophysical properties (such as structural, functional, and spatial information, amino acid conservation, physicochemical variation, residue mobility, and thermodynamic stability) performed at Invitae indicates that this missense variant is not expected to disrupt RAI1 protein function. In summary, the available evidence is currently insufficient to determine the role of this variant in disease. Therefore, it has been classified as a Variant of Uncertain Significance.

NM_030665.4(RAI1):c.4148T>C (p.Val1383Ala)

Gene: RAI1 (retinoic acid induced 1; plus strand). Cytogenetic location: 17p11.2.
Variant type: single nucleotide variant.
Coding change: c.4148T>C on transcript NM_030665.4 (MANE Select); coding-DNA position 4148, T replaced by C.
Protein change: p.Val1383Ala; replaces valine 1383 with alanine.
Molecular consequence: missense variant.
Genome position (GRCh38, 1-based): chr17:17,797,096, T>C. VCF-style: chr17-17797096-T-C. GRCh37 (hg19) VCF-style: chr17-17700410-T-C.
Other names: short protein forms V1383A.
Identifiers: ClinVar variation 2782852 (VCV002782852.3), dbSNP rs760846130, ClinGen allele CA8418897.
Genomic context (GRCh38, chr17:17,797,096, plus strand): 5'-ACAAAGACCGTGGGCTCAAGGGTGCTGGGGGCAGCCCAGTGGGGGTGGAAGAAGGCCTGG[T>C]AAATGTGGGCACCGGGCAGAAGCTCCCAACTTCTGGGGCTGATCCGTTATGCAGAAATCC-3'
Protein context (NP_109590.3, residues 1373-1393): GSPVGVEEGL[Val1383Ala]NVGTGQKLPT